The following is an entry in ClinVar:

NM_005027.4(PIK3R2):c.2153C>T (p.Ala718Val)

Gene: PIK3R2 (phosphoinositide-3-kinase regulatory subunit 2; plus strand). Cytogenetic location: 19p13.11.
Variant type: single nucleotide variant.
Coding change: c.2153C>T on transcript NM_005027.4 (MANE Select); coding-DNA position 2153, C replaced by T.
Protein change: p.Ala718Val; replaces alanine 718 with valine.
Molecular consequence: missense variant. On other transcripts: non-coding transcript variant (2).
Genome position (GRCh38, 1-based): chr19:18,169,260, C>T. VCF-style: chr19-18169260-C-T. GRCh37 (hg19) VCF-style: chr19-18280070-C-T.
Other names: short protein forms A718V.
Identifiers: ClinVar variation 1902575 (VCV001902575.7), dbSNP rs1365373370, ClinGen allele CA404817518.

ClinVar aggregate classification (germline): Uncertain significance. Review status: criteria provided, multiple submitters, no conflicts (2 of 4 stars). 3 submissions from 3 submitters: Uncertain significance (3). Last evaluated 2025-12-01.

Conditions:
Megalencephaly-polymicrogyria-postaxial polydactyly-hydrocephalus syndrome. Also called: MPPH Syndrome; MEG-PMG-MEGACC SYNDROME. Identifiers: Orphanet 83473, MedGen C1863924, MONDO:0019375.
Inborn genetic diseases. Identifiers: MedGen C0950123, MeSH D030342.

gnomAD v4.1: 16 of 1,537,372 alleles (0.001%); highest among the groups gnomAD compares: East Asian, 0.037%; no homozygotes.

Submissions (3):

Women's Health and Genetics/Laboratory Corporation of America, LabCorp
Classification: Uncertain significance. Last evaluated: 2025-12-01. Review status: criteria provided, single submitter. Criteria: LabCorp Variant Classification Summary - May 2015. Collection method: clinical testing. Allele origin: germline.
Comment: Variant summary: PIK3R2 c.2153C>T (p.Ala718Val) results in a non-conservative amino acid change in the encoded protein sequence. Algorithms developed to predict the effect of missense changes on protein structure and function are either unavailable or do not agree on the potential impact of this missense change. The variant was absent in 137124 control chromosomes (gnomAD). The available data on variant occurrences in the general population are insufficient to allow any conclusion about variant significance. To our knowledge, no occurrence of c.2153C>T in individuals affected with PIK3R2-related conditions and no experimental evidence demonstrating its impact on protein function have been reported. ClinVar contains an entry for this variant (Variation ID: 1902575). Based on the evidence outlined above, the variant was classified as uncertain significance.

Labcorp Genetics (formerly Invitae), Labcorp
Classification: Uncertain significance for Megalencephaly-polymicrogyria-postaxial polydactyly-hydrocephalus syndrome. Last evaluated: 2022-11-22. Review status: criteria provided, single submitter. Criteria: Invitae Variant Classification Sherloc (09022015). Collection method: clinical testing. Allele origin: germline.
Comment: In summary, the available evidence is currently insufficient to determine the role of this variant in disease. Therefore, it has been classified as a Variant of Uncertain Significance. Advanced modeling of protein sequence and biophysical properties (such as structural, functional, and spatial information, amino acid conservation, physicochemical variation, residue mobility, and thermodynamic stability) performed at Invitae indicates that this missense variant is not expected to disrupt PIK3R2 protein function. This variant has not been reported in the literature in individuals affected with PIK3R2-related conditions. This variant is not present in population databases (gnomAD no frequency). This sequence change replaces alanine, which is neutral and non-polar, with valine, which is neutral and non-polar, at codon 718 of the PIK3R2 protein (p.Ala718Val).

Ambry Genetics
Classification: Uncertain significance for Inborn genetic diseases. Last evaluated: 2022-03-29. Review status: criteria provided, single submitter. Criteria: Ambry Variant Classification Scheme 2023. Collection method: clinical testing. Allele origin: germline.